The following is an entry in ClinVar:

NM_005732.4(RAD50):c.1298G>C (p.Arg433Thr)

Gene: RAD50 (RAD50 double strand break repair protein; plus strand). Cytogenetic location: 5q31.1.
Variant type: single nucleotide variant.
Coding change: c.1298G>C on transcript NM_005732.4 (MANE Select); coding-DNA position 1298, G replaced by C.
Protein change: p.Arg433Thr; replaces arginine 433 with threonine.
Molecular consequence: missense variant.
Genome position (GRCh38, 1-based): chr5:132,589,683, G>C. VCF-style: chr5-132589683-G-C. GRCh37 (hg19) VCF-style: chr5-131925375-G-C.
Other names: short protein forms R433T.
Identifiers: ClinVar variation 4862837 (VCV004862837.1).
Genomic context (GRCh38, chr5:132,589,683, plus strand): 5'-GCATTTAGAATGACTTTGCAGAAAAAGAGACTCTGAAACAAAAACAGATAGATGAGATAA[G>C]AGATAAGAAAACTGGACTGGGAAGAATAATTGAGTTAAAATCAGAAATCCTAAGTAAGAA-3'
Protein context (NP_005723.2, residues 423-443): TLKQKQIDEI[Arg433Thr]DKKTGLGRII

ClinVar aggregate classification (germline): Uncertain significance (1 of 4 stars; one submission).

Conditions:
Hereditary cancer-predisposing syndrome. Also called: Neoplastic Syndromes, Hereditary; Tumor predisposition; Hereditary Cancer Syndrome; Hereditary neoplastic syndrome. Identifiers: Orphanet 140162, MedGen C0027672, MeSH D009386, MONDO:0015356.

gnomAD v4.1: 1 of 1,611,294 alleles (0.000062%); highest among the groups gnomAD compares: Non-Finnish European, 0.000085%; no homozygotes.

Submission:

Ambry Genetics
Classification: Uncertain significance for Hereditary cancer-predisposing syndrome. Last evaluated: 2026-04-13. Review status: criteria provided, single submitter. Criteria: Ambry Variant Classification Scheme 2023. Collection method: clinical testing. Allele origin: germline.
Comment: The p.R433T variant (also known as c.1298G>C), located in coding exon 9 of the RAD50 gene, results from a G to C substitution at nucleotide position 1298. The arginine at codon 433 is replaced by threonine, an amino acid with similar properties. This amino acid position is conserved. In addition, the in silico prediction for this alteration is inconclusive. Based on the available evidence, the clinical significance of this variant remains unclear.